The following is an entry in ClinVar:

NM_018075.5(ANO10):c.788G>A (p.Arg263His)

Gene: ANO10 (anoctamin 10; minus strand). Cytogenetic location: 3p22.1.
Variant type: single nucleotide variant.
Coding change: c.788G>A on transcript NM_018075.5 (MANE Select); coding-DNA position 788, G replaced by A.
Protein change: p.Arg263His; replaces arginine 263 with histidine.
Molecular consequence: missense variant. On other transcripts: intron variant (1).
Genome position (GRCh38, 1-based): chr3:43,577,066, C>T on the plus strand (G>A on the coding strand, the complement: ANO10 is on the minus strand). VCF-style: chr3-43577066-C-T. GRCh37 (hg19) VCF-style: chr3-43618558-C-T.
Other names: p.Arg263His; c.788G>A, p.Arg263His (NM_001204831.3, NM_001346463.2, NM_001346464.2 and 3 more transcripts); c.590G>A, p.Arg197His (NM_001204832.3, NM_001346466.2, NM_001346469.2); c.455G>A, p.Arg152His (NM_001204833.3); c.593-2202G>A (NM_001204834.3); short protein forms R152H, R197H, R263H.
Identifiers: ClinVar variation 901814 (VCV000901814.15), dbSNP rs41289586, ClinGen allele CA2340947.

ClinVar aggregate classification (germline): Benign/Likely benign. Review status: criteria provided, multiple submitters, no conflicts (2 of 4 stars). 8 submissions from 8 submitters: Benign (4); Likely benign (2). 2 of the submissions do not count toward it. Last evaluated 2026-02-04.

Conditions:
Autosomal recessive spinocerebellar ataxia 10. Identifiers: Orphanet 284289, MedGen C3150998, MONDO:0013392, OMIM 613728.

Allele frequency attached by ClinVar (database versions not stated): 1000 Genomes Project 0.00759; 1000 Genomes Project 30x 0.00796; TOPMed 0.01671; gnomAD exomes 0.01782 and 0.02430; gnomAD 0.01786 and 0.01896; ExAC 0.01908; ESP Exome Variant Server 0.02061.

Submissions (8):

Labcorp Genetics (formerly Invitae), Labcorp
Classification: Benign. Last evaluated: 2026-02-04. Review status: criteria provided, single submitter. Criteria: Invitae Variant Classification Sherloc (09022015). Collection method: clinical testing. Allele origin: germline.

Athena Diagnostics
Classification: Benign. Last evaluated: 2023-11-30. Review status: criteria provided, single submitter. Criteria: Athena Diagnostics Criteria. Collection method: clinical testing. Allele origin: unknown.

Mayo Clinic Laboratories, Mayo Clinic
Classification: Benign. Last evaluated: 2023-09-05. Review status: criteria provided, single submitter. Criteria: ACMG Guidelines, 2015. Collection method: clinical testing. Allele origin: germline. Observed: 18 variant alleles.
Comment: BA1, BS2, PP3

GeneDx
Classification: Likely benign. Last evaluated: 2021-05-05. Review status: criteria provided, single submitter. Criteria: GeneDx Variant Classification Process June 2021. Collection method: clinical testing. Allele origin: germline. Affected: yes.
Comment: This variant is associated with the following publications: (PMID: 25730773)

Illumina Laboratory Services, Illumina
Classification: Benign for Autosomal recessive spinocerebellar ataxia 10. Last evaluated: 2017-04-27. Review status: criteria provided, single submitter. Criteria: ICSL Variant Classification Criteria 13 December 2019. Collection method: clinical testing. Allele origin: germline.
Comment: This variant was observed as part of a predisposition screen in an ostensibly healthy population. A literature search was performed for the gene, cDNA change, and amino acid change (where applicable). Publications were found based on this search. The evidence from the literature, in combination with allele frequency data from public databases where available, was sufficient to rule this variant out of causing disease. Therefore, this variant is classified as benign.

Breakthrough Genomics
Classification: Likely benign. Review status: criteria provided, single submitter. Criteria: ACMG Guidelines, 2015. Collection method: not provided. Allele origin: germline. Inheritance: Autosomal recessive inheritance. Affected: yes.

Clinical Genetics DNA and cytogenetics Diagnostics Lab, Erasmus MC, Erasmus Medical Center
Classification: Benign. Review status: no assertion criteria provided. Collection method: clinical testing. Allele origin: germline. Affected: yes. Study: VKGL Data-share Consensus. Not counted in ClinVar's aggregate classification.

Joint Genome Diagnostic Labs from Nijmegen and Maastricht, Radboudumc and MUMC+
Classification: Likely benign. Review status: no assertion criteria provided. Collection method: clinical testing. Allele origin: germline. Affected: yes. Study: VKGL Data-share Consensus. Not counted in ClinVar's aggregate classification.

Literature cited by the submitters: PubMed 27270446 (cited by Athena Diagnostics and Illumina Laboratory Services, Illumina); PubMed 27091155 (cited by Athena Diagnostics and Illumina Laboratory Services, Illumina); PubMed 37816627 (cited by Athena Diagnostics); PubMed 35648332 (cited by Athena Diagnostics); PubMed 33374413 (cited by Athena Diagnostics); PubMed 31301133 (cited by Athena Diagnostics); PubMed 25730773 (cited by Illumina Laboratory Services, Illumina).